The following is an entry in ClinVar:

NM_004655.4(AXIN2):c.1149G>C (p.Leu383=)

Gene: AXIN2 (axin 2; minus strand). Cytogenetic location: 17q24.1.
Variant type: single nucleotide variant.
Coding change: c.1149G>C on transcript NM_004655.4 (MANE Select); coding-DNA position 1149, G replaced by C.
Protein change: p.Leu383=; no amino-acid change (leucine 383 retained).
Molecular consequence: synonymous variant.
Genome position (GRCh38, 1-based): chr17:65,538,254, C>G on the plus strand (G>C on the coding strand, the complement: AXIN2 is on the minus strand). VCF-style: chr17-65538254-C-G. GRCh37 (hg19) VCF-style: chr17-63534372-C-G.
Other names: c.1149G>C (LRG_296t1); c.1149G>C, p.Leu383= (NM_001363813.1).
Identifiers: ClinVar variation 386504 (VCV000386504.21), dbSNP rs371063358, ClinGen allele CA16607830.

ClinVar aggregate classification (germline): Benign/Likely benign. Review status: criteria provided, multiple submitters, no conflicts (2 of 4 stars). 5 submissions from 5 submitters: Benign (1); Likely benign (4). Last evaluated 2026-01-21.

Conditions:
Oligodontia-cancer predisposition syndrome. Also called: TOOTH AGENESIS-COLORECTAL CANCER SYNDROME. Identifiers: Orphanet 300576, MedGen C1837750, MONDO:0012075, OMIM 608615. Disease mechanism: loss of function.
Hereditary cancer-predisposing syndrome. Also called: Hereditary Cancer Syndrome; Hereditary neoplastic syndrome; Neoplastic Syndromes, Hereditary; Tumor predisposition. Identifiers: Orphanet 140162, MedGen C0027672, MeSH D009386, MONDO:0015356.

Allele frequency attached by ClinVar (database versions not stated): gnomAD exomes below 0.00001; TOPMed below 0.00001; gnomAD 0.00001; ESP Exome Variant Server 0.00008.
gnomAD v4.1: 8 of 1,614,088 alleles (0.0005%); highest among the groups gnomAD compares: African/African-American, 0.0027%; no homozygotes.

Submissions (5):

Labcorp Genetics (formerly Invitae), Labcorp
Classification: Likely benign for Oligodontia-cancer predisposition syndrome. Last evaluated: 2026-01-21. Review status: criteria provided, single submitter. Criteria: Invitae Variant Classification Sherloc (09022015). Collection method: clinical testing. Allele origin: germline.

Myriad Genetics, Inc.
Classification: Benign for Oligodontia-cancer predisposition syndrome. Last evaluated: 2024-07-01. Review status: criteria provided, single submitter. Criteria: Myriad Autosomal Dominant, Autosomal Recessive and X-Linked Classification Criteria (2023). Collection method: clinical testing. Allele origin: unknown.
Comment: This variant is considered benign. This variant is a silent/synonymous amino acid change and it is not expected to impact splicing.

Sema4
Classification: Likely benign for Hereditary cancer-predisposing syndrome. Last evaluated: 2022-01-12. Review status: criteria provided, single submitter. Criteria: Sema4 Curation Guidelines. Collection method: curation. Allele origin: germline.

Ambry Genetics
Classification: Likely benign for Hereditary cancer-predisposing syndrome. Last evaluated: 2019-08-07. Review status: criteria provided, single submitter. Criteria: Ambry Variant Classification Scheme 2023. Collection method: clinical testing. Allele origin: germline.

GeneDx
Classification: Likely benign. Last evaluated: 2019-01-08. Review status: criteria provided, single submitter. Criteria: GeneDx Variant Classification Process June 2021. Collection method: clinical testing. Allele origin: germline. Affected: yes.